The following is an entry in ClinVar:

NM_020533.3(MCOLN1):c.878-2A>G

Gene: MCOLN1 (mucolipin TRP cation channel 1; plus strand). Cytogenetic location: 19p13.2.
Variant type: single nucleotide variant.
Coding change: c.878-2A>G on transcript NM_020533.3 (MANE Select); the canonical splice acceptor site of the intron before coding-DNA position 878, A replaced by G.
Molecular consequence: splice acceptor variant.
Genome position (GRCh38, 1-based): chr19:7,528,595, A>G. VCF-style: chr19-7528595-A-G. GRCh37 (hg19) VCF-style: chr19-7593481-A-G.
Other names: c.878-2A>G (NM_020533.2).
Identifiers: ClinVar variation 3901182 (VCV003901182.2).
Genomic context (GRCh38, chr19:7,528,595, plus strand): 5'-CAATGCTAGCCTCCCAAGGCTCCATGCCATCCTTGGCCCTACCCGCTCTGCCCTCCCCGC[A>G]GGAGACAACAGCTTCCGGCTCCTGTTTGACGTGGTGGTCATCCTCACCTGCTCCCTGTCC-3'

ClinVar aggregate classification (germline): Pathogenic/Likely pathogenic. Review status: criteria provided, multiple submitters, no conflicts (2 of 4 stars). 2 submissions from 2 submitters: Pathogenic (1); Likely pathogenic (1). Last evaluated 2025-04-28.

Conditions:
Mucolipidosis type IV (ML4). Also called: ML IV. Identifiers: Orphanet 578, MedGen C0238286, MONDO:0009653, OMIM 252650.

gnomAD v4.1: 3 of 1,614,116 alleles (0.00019%); highest among the groups gnomAD compares: Non-Finnish European, 0.00025%; no homozygotes.

Submissions (2):

Institute of Human Genetics, University of Leipzig Medical Center
Classification: Pathogenic for Mucolipidosis type IV. Last evaluated: 2025-04-28. Review status: criteria provided, single submitter. Criteria: ACMG Guidelines, 2015. Collection method: clinical testing. Allele origin: de novo. Inheritance: Autosomal recessive inheritance. Affected: yes.
Comment: Criteria applied: PVS1,PS2_MOD,PM2; Identified as compund heterozygous with NM_020533.3:c.778-14A>G

Natera, Inc.
Classification: Likely pathogenic for Mucolipidosis type IV. Last evaluated: 2024-03-28. Review status: criteria provided, single submitter. Criteria: Natera Variant Classification Schema (03/2026). Collection method: clinical testing. Allele origin: germline.
Comment: The c.878-2A>G variant in MCOLN1 is a canonical splice acceptor site variant predicted to affect pre-mRNA splicing, which may result in an abnormal transcript and altered protein product. This variant is expected to result in nonsense mediated decay, truncation, or a dysfunctional protein product. This variant is rare in the general population with a frequency below the threshold expected for the associated phenotype(s). Given the available evidence, this variant is classified as Likely Pathogenic.